The following is an entry in ClinVar:

ClinVar aggregate classification (germline): Conflicting classifications of pathogenicity. Review status: criteria provided, conflicting classifications (1 of 4 stars). 2 submissions from 2 submitters: Uncertain significance (1); Likely benign (1). Last evaluated 2026-03-23.

Conditions:
Tuberous sclerosis 2 (TSC2). Identifiers: Orphanet 805, MedGen C1860707, MONDO:0013199, OMIM 613254.
Hereditary cancer-predisposing syndrome. Also called: Tumor predisposition; Neoplastic Syndromes, Hereditary; Hereditary Cancer Syndrome; Hereditary neoplastic syndrome. Identifiers: Orphanet 140162, MedGen C0027672, MeSH D009386, MONDO:0015356.

Allele frequency attached by ClinVar (database versions not stated): ExAC 0.00001.
gnomAD v4.1: 1 of 1,612,768 alleles (0.000062%); highest among the groups gnomAD compares: Non-Finnish European, 0.000085%; no homozygotes.

Submissions (2):

Ambry Genetics
Classification: Uncertain significance for Hereditary cancer-predisposing syndrome. Last evaluated: 2026-03-23. Review status: criteria provided, single submitter. Criteria: Ambry Variant Classification Scheme 2023. Collection method: clinical testing. Allele origin: germline.
Comment: The p.Q1665R variant (also known as c.4994A>G), located in coding exon 38 of the TSC2 gene, results from an A to G substitution at nucleotide position 4994. The glutamine at codon 1665 is replaced by arginine, an amino acid with highly similar properties. This amino acid position is highly conserved in available vertebrate species. In addition, this alteration is predicted to be deleterious by in silico analysis. Since supporting evidence is limited at this time, the clinical significance of this alteration remains unclear.

Labcorp Genetics (formerly Invitae), Labcorp
Classification: Likely benign for Tuberous sclerosis 2. Last evaluated: 2023-07-07. Review status: criteria provided, single submitter. Criteria: Invitae Variant Classification Sherloc (09022015). Collection method: clinical testing. Allele origin: germline.

NM_000548.5(TSC2):c.4994A>G (p.Gln1665Arg)

Gene: TSC2 (TSC complex subunit 2; plus strand). Cytogenetic location: 16p13.3.
Variant type: single nucleotide variant.
Coding change: c.4994A>G on transcript NM_000548.5 (MANE Select); coding-DNA position 4994, A replaced by G.
Protein change: p.Gln1665Arg; replaces glutamine 1665 with arginine.
Molecular consequence: missense variant.
Genome position (GRCh38, 1-based): chr16:2,087,867, A>G. VCF-style: chr16-2087867-A-G. GRCh37 (hg19) VCF-style: chr16-2137868-A-G.
Other names: c.4793A>G, p.Gln1598Arg (NM_001077183.3); c.4925A>G, p.Gln1642Arg (NM_001114382.3); c.4685A>G, p.Gln1562Arg (NM_001318827.2); c.4649A>G, p.Gln1550Arg (NM_001318829.2); c.4262A>G, p.Gln1421Arg (NM_001318831.2); c.4826A>G, p.Gln1609Arg (NM_001318832.2); c.4796A>G, p.Gln1599Arg (NM_001363528.2); c.4862A>G, p.Gln1621Arg (NM_001370404.1); and 1 more; short protein forms Q1421R, Q1598R, Q1642R, Q1665R, Q1550R, Q1609R, Q1622R, Q1562R.
Identifiers: ClinVar variation 1512846 (VCV001512846.11), dbSNP rs747018176, ClinGen allele CA053440.